The following is an entry in ClinVar:

NM_032119.4(ADGRV1):c.9746T>C (p.Met3249Thr)

Gene: ADGRV1 (adhesion G protein-coupled receptor V1; plus strand). Cytogenetic location: 5q14.3.
Variant type: single nucleotide variant.
Coding change: c.9746T>C on transcript NM_032119.4 (MANE Select); coding-DNA position 9746, T replaced by C.
Protein change: p.Met3249Thr; replaces methionine 3249 with threonine.
Molecular consequence: missense variant. On other transcripts: non-coding transcript variant (1).
Genome position (GRCh38, 1-based): chr5:90,721,057, T>C. VCF-style: chr5-90721057-T-C. GRCh37 (hg19) VCF-style: chr5-90016874-T-C.
Other names: short protein forms M3249T.
Identifiers: ClinVar variation 1120125 (VCV001120125.4), dbSNP rs1750855092, ClinGen allele CA360401218.

ClinVar aggregate classification (germline): Uncertain significance (1 of 4 stars; one submission).

Submission:

Laboratory for Molecular Medicine, Mass General Brigham Personalized Medicine
Classification: Uncertain significance. Last evaluated: 2020-08-13. Review status: criteria provided, single submitter. Criteria: LMM Criteria. Collection method: clinical testing. Allele origin: germline. Observed: 1 variant allele.
Comment: The p.Met3249Thr variant in ADGRV1 has not been previously reported in individuals with hearing loss or Usher syndrome and was absent from large population studies. Computational prediction tools and conservation analyses do not provide strong support for or against an impact to the protein. This variant is located in the last three bases of the exon, which is part of the 5' splice region. Computational tools do not predict a splicing impact, though this information is not predictive enough to rule out pathogenicity. In summary, the clinical significance of this variant is uncertain. ACMG/AMP Criteria applied: PM2.